The following is an entry in ClinVar:

NM_000092.5(COL4A4):c.3506-2A>C

Gene: COL4A4 (collagen type IV alpha 4 chain; minus strand). Cytogenetic location: 2q36.3.
Variant type: single nucleotide variant.
Coding change: c.3506-2A>C on transcript NM_000092.5 (MANE Select); the canonical splice acceptor site of the intron before coding-DNA position 3506, A replaced by C.
Molecular consequence: splice acceptor variant.
Genome position (GRCh38, 1-based): chr2:227,033,483, T>G on the plus strand (A>C on the coding strand, the complement: COL4A4 is on the minus strand). VCF-style: chr2-227033483-T-G. GRCh37 (hg19) VCF-style: chr2-227898199-T-G.
Identifiers: ClinVar variation 3354110 (VCV003354110.1).

ClinVar aggregate classification (germline): Likely pathogenic (0 of 4 stars; one submission).

Conditions:
COL4A4-related disorder.

Submission:

PreventionGenetics, part of Exact Sciences
Classification: Likely pathogenic for COL4A4-related condition. Last evaluated: 2024-09-26. Review status: no assertion criteria provided. Collection method: clinical testing. Allele origin: germline.
Comment: The COL4A4 c.3506-2A>C variant is predicted to disrupt the AG splice acceptor site and interfere with normal splicing. To our knowledge, this variant has not been reported in the literature or in a large population database, indicating this variant is rare. Variants that disrupt the consensus splice acceptor site in COL4A4 are expected to be pathogenic. This variant is interpreted as likely pathogenic.